The following is an entry in ClinVar:

NM_000051.4(ATM):c.1702del (p.Arg568fs)

Gene: ATM (ATM serine/threonine kinase; plus strand). Cytogenetic location: 11q22.3.
Variant type: Deletion.
Coding change: c.1702del on transcript NM_000051.4 (MANE Select); coding-DNA position 1702, one base deleted (A; older notation c.1702delA).
Protein change: p.Arg568fs; shifts the reading frame from arginine 568.
Molecular consequence: frameshift variant.
Genome position (GRCh38, 1-based): chr11:108,251,931, A deleted. VCF-style (leftmost placement, unchanged base first): chr11-108251930-TA-T. GRCh37 (hg19) VCF-style: chr11-108122657-TA-T.
Other names: c.1702del, p.Arg568fs (NM_001351834.2); short protein forms R568fs.
Identifiers: ClinVar variation 1778376 (VCV001778376.2), dbSNP rs2497270601, ClinGen allele CA2580083793.

ClinVar aggregate classification (germline): Pathogenic (1 of 4 stars; one submission).

Conditions:
Hereditary cancer-predisposing syndrome. Also called: Neoplastic Syndromes, Hereditary; Tumor predisposition; Hereditary Cancer Syndrome; Hereditary neoplastic syndrome. Identifiers: Orphanet 140162, MedGen C0027672, MeSH D009386, MONDO:0015356.

Submission:

Ambry Genetics
Classification: Pathogenic for Hereditary cancer-predisposing syndrome. Last evaluated: 2020-02-03. Review status: criteria provided, single submitter. Criteria: Ambry Variant Classification Scheme 2023. Collection method: clinical testing. Allele origin: germline.
Comment: The c.1702delA pathogenic mutation, located in coding exon 10 of the ATM gene, results from a deletion of one nucleotide at nucleotide position 1702, causing a translational frameshift with a predicted alternate stop codon (p.R568Efs*5). This alteration is expected to result in loss of function by premature protein truncation or nonsense-mediated mRNA decay. As such, this alteration is interpreted as a disease-causing mutation.